The following is an entry in ClinVar:

ClinVar aggregate classification (germline): Pathogenic (1 of 4 stars; one submission).

Submission:

GeneDx
Classification: Pathogenic. Last evaluated: 2013-01-19. Review status: criteria provided, single submitter. Criteria: GeneDx Variant Classification (06012015). Collection method: clinical testing. Allele origin: germline. Affected: yes.
Comment: To our knowledge, this substitution has neither been published as a mutation, nor reported as a benign polymorphism. However, another missense substitution at this same position, C151S aka C122S, has been reported in association with Severe Congenital Neutropenia (Ancliff et al., 2001; Karlsson et al., 2007). Therefore, we consider C151F a mutation and its presence consistent with a diagnosis of ELANE-related neutropenia.

NM_001972.4(ELANE):c.452G>T (p.Cys151Phe)

Gene: ELANE (elastase, neutrophil expressed; plus strand). Cytogenetic location: 19p13.3.
Variant type: single nucleotide variant.
Coding change: c.452G>T on transcript NM_001972.4 (MANE Select); coding-DNA position 452, G replaced by T.
Protein change: p.Cys151Phe; replaces cysteine 151 with phenylalanine.
Molecular consequence: missense variant.
Genome position (GRCh38, 1-based): chr19:855,649, G>T. VCF-style: chr19-855649-G-T. GRCh37 (hg19) VCF-style: chr19-855649-G-T.
Other names: c.452G>T (LRG_57t1); short protein forms C151F.
Identifiers: ClinVar variation 242284 (VCV000242284.2), dbSNP rs57246956, ClinGen allele CA10583962.